The following is an entry in ClinVar:

NM_000145.4(FSHR):c.1572C>G (p.Ser524Arg)

Gene: FSHR (follicle stimulating hormone receptor; minus strand). Cytogenetic location: 2p16.3.
Variant type: single nucleotide variant.
Coding change: c.1572C>G on transcript NM_000145.4 (MANE Select); coding-DNA position 1572, C replaced by G.
Protein change: p.Ser524Arg; replaces serine 524 with arginine.
Molecular consequence: missense variant.
Genome position (GRCh38, 1-based): chr2:48,963,249, G>C on the plus strand (C>G on the coding strand, the complement: FSHR is on the minus strand). VCF-style: chr2-48963249-G-C. GRCh37 (hg19) VCF-style: chr2-49190388-G-C.
Other names: c.1494C>G, p.Ser498Arg (NM_181446.3); short protein forms S524R, S498R.
Identifiers: ClinVar variation 757090 (VCV000757090.10), dbSNP rs6167, ClinGen allele CA1653632.

ClinVar aggregate classification (germline): Conflicting classifications of pathogenicity. Review status: criteria provided, conflicting classifications (1 of 4 stars). 5 submissions from 4 submitters: Uncertain significance (2); Likely benign (3). Last evaluated 2026-04-07.

Conditions:
Ovarian dysgenesis 1 (ODG1). Also called: Gonadal dysgenesis XX type deafness; GONADAL DYSGENESIS, XX TYPE; OVARIAN DYSGENESIS, HYPERGONADOTROPIC, AUTOSOMAL RECESSIVE; OVARIAN DYSGENESIS, HYPERGONADOTROPIC, WITH NORMAL KARYOTYPE; OVARIAN FAILURE, HYPERGONADOTROPIC. Identifiers: Orphanet 243, MedGen C0949595, MONDO:0024463, OMIM 233300.
Ovarian hyperstimulation syndrome (OHSS). Also called: OVARIAN HYPERSTIMULATION SYNDROME, FAMILIAL GESTATIONAL SPONTANEOUS. Identifiers: Orphanet 64739, MedGen C0085083, MONDO:0011972, OMIM 608115.
FSHR-related disorder. Also called: FSHR-related condition; FSHR-related disorders.

Allele frequency attached by ClinVar (database versions not stated): 1000 Genomes Project 30x 0.00094; gnomAD 0.00099 and 0.00109; 1000 Genomes Project 0.00100; TOPMed 0.00108; ESP Exome Variant Server 0.00131.

Submissions (5):

PreventionGenetics, part of Exact Sciences
Classification: Likely benign for FSHR-related condition. Last evaluated: 2026-04-07. Review status: criteria provided, single submitter. Criteria: ACMG Guidelines, 2015. Collection method: clinical testing. Allele origin: germline.
Comment: This variant is classified as likely benign based on ACMG/AMP sequence variant interpretation guidelines (Richards et al. 2015 PMID: 25741868, with internal and published modifications).

GeneDx
Classification: Uncertain significance. Last evaluated: 2023-12-23. Review status: criteria provided, single submitter. Criteria: GeneDx Variant Classification Process June 2021. Collection method: clinical testing. Allele origin: germline. Affected: yes.
Comment: In silico analysis supports that this missense variant does not alter protein structure/function; Has not been previously published as pathogenic or benign to our knowledge

Labcorp Genetics (formerly Invitae), Labcorp
Classification: Likely benign. Last evaluated: 2019-12-31. Review status: criteria provided, single submitter. Criteria: Invitae Variant Classification Sherloc (09022015). Collection method: clinical testing. Allele origin: germline.

Illumina Laboratory Services, Illumina
Classification: Likely benign for Ovarian hyperstimulation syndrome. Last evaluated: 2018-01-13. Review status: criteria provided, single submitter. Criteria: ICSL Variant Classification Criteria 13 December 2019. Collection method: clinical testing. Allele origin: germline.
Comment: This variant was observed in the ICSL laboratory as part of a predisposition screen in an ostensibly healthy population. It had not been previously curated by ICSL or reported in the Human Gene Mutation Database (HGMD: prior to June 1st, 2018), and was therefore a candidate for classification through an automated scoring system. Utilizing variant allele frequency, disease prevalence and penetrance estimates, and inheritance mode, an automated score was calculated to assess if this variant is too frequent to cause the disease. Based on the score and internal cut-off values, a variant classified as likely benign is not then subjected to further curation. The score for this variant resulted in a classification of likely benign for this disease.

Illumina Laboratory Services, Illumina
Classification: Uncertain significance for Ovarian dysgenesis 1. Last evaluated: 2018-01-13. Review status: criteria provided, single submitter. Criteria: ICSL Variant Classification Criteria 13 December 2019. Collection method: clinical testing. Allele origin: germline.